The following is an entry in ClinVar:

NM_000350.3(ABCA4):c.3965del (p.Pro1322fs)

Gene: ABCA4 (ATP binding cassette subfamily A member 4; minus strand). Cytogenetic location: 1p22.1.
Variant type: Deletion.
Coding change: c.3965del on transcript NM_000350.3 (MANE Select); coding-DNA position 3965, one base deleted (C; older notation c.3965delC).
Protein change: p.Pro1322fs; shifts the reading frame from proline 1322.
Molecular consequence: frameshift variant.
Genome position (GRCh38, 1-based): chr1:94,031,941, G deleted on the plus strand (C on the coding strand, the reverse complement: ABCA4 is on the minus strand); the first of 4 consecutive G bases (chr1:94,031,941-94,031,944); deleting any one gives the same sequence. VCF-style (leftmost placement, unchanged base first): chr1-94031940-TG-T. GRCh37 (hg19) VCF-style: chr1-94497496-TG-T.
Other names: NC_000001.10:g.94497500del; NP_000341.2:p.(Pro1322GlnfsTer67); c.3743del, p.Pro1248fs (NM_001425324.1); short protein forms P1248fs, P1322fs.
Identifiers: ClinVar variation 3381785 (VCV003381785.2).

ClinVar aggregate classification (germline): Pathogenic (1 of 4 stars; one submission).

Conditions:
Retinal dystrophy. Also called: Inherited retinal dystrophy. Identifiers: Orphanet 71862, MedGen C0854723, MeSH D058499, MONDO:0019118, HP:0000556.

Submission:

Ophthalmic Genetics Group, Institute of Molecular and Clinical Ophthalmology Basel
Classification: Pathogenic for Retinal dystrophy. Last evaluated: 2024-05-27. Review status: criteria provided, single submitter. Criteria: ACMG Guidelines, 2015. Collection method: research. Allele origin: germline. Affected: yes. Observed: 1 variant allele.
Comment: This variant was classified as Pathogenic based on ACMG criteria: PVS1_very strong, PM2_mod, PM3_mod and PP1_mod

Literature cited by the submitters: PubMed 40180963.